The following is an entry in ClinVar:

ClinVar aggregate classification (germline): Likely pathogenic (0 of 4 stars; one submission).

Conditions:
Becker muscular dystrophy (BMD). Also called: MUSCULAR DYSTROPHY, PSEUDOHYPERTROPHIC PROGRESSIVE, BECKER TYPE; Becker Muscular Dystrophy (BMD). Identifiers: Orphanet 98895, MedGen C0917713, MONDO:0010311, OMIM 300376.

Submission:

Solve-RD Consortium
Classification: Likely pathogenic for Becker muscular dystrophy. Last evaluated: 2024-06-01. Review status: no assertion criteria provided. Collection method: provider interpretation. Allele origin: germline. Affected: yes.
Comment: This CNV was confirmed by the submitting clinician to impact a gene that corresponds with the phenotype of the affected individual, and thus deemed to be causative for their condition.

Literature cited by the submitters: PubMed 39825153.

GRCh37/hg19 Xp21.1(chrX:32632368-32867988)x1

Gene: DMD (dystrophin; minus strand). Cytogenetic location: Xp21.1.
Variant type: copy number loss.
Change: copy number 1 of chrX:32,632,368-32,867,988 (235.6 kb, GRCh37 coordinates, 1-based), cytogenetic band Xp21.1.
Identifiers: ClinVar variation 3338466 (VCV003338466.1).